The following is an entry in ClinVar:

NM_017654.4(SAMD9):c.4392C>G (p.Phe1464Leu)

Gene: SAMD9 (sterile alpha motif domain containing 9; minus strand). Cytogenetic location: 7q21.2.
Variant type: single nucleotide variant.
Coding change: c.4392C>G on transcript NM_017654.4 (MANE Select); coding-DNA position 4392, C replaced by G.
Protein change: p.Phe1464Leu; replaces phenylalanine 1464 with leucine.
Molecular consequence: missense variant.
Genome position (GRCh38, 1-based): chr7:93,101,706, G>C on the plus strand (C>G on the coding strand, the complement: SAMD9 is on the minus strand). VCF-style: chr7-93101706-G-C. GRCh37 (hg19) VCF-style: chr7-92731019-G-C.
Other names: c.4392C>G, p.Phe1464Leu (NM_001193307.2); short protein forms F1464L.
Identifiers: ClinVar variation 2803482 (VCV002803482.3), dbSNP rs1460994810, ClinGen allele CA368179102.

ClinVar aggregate classification (germline): Uncertain significance (1 of 4 stars; one submission).

Allele frequency attached by ClinVar (database versions not stated): gnomAD exomes below 0.00001.
gnomAD v4.1: 1 of 1,613,618 alleles (0.000062%); highest among the groups gnomAD compares: Admixed American, 0.0017%; no homozygotes.

Submission:

Labcorp Genetics (formerly Invitae), Labcorp
Classification: Uncertain significance. Last evaluated: 2023-01-30. Review status: criteria provided, single submitter. Criteria: Invitae Variant Classification Sherloc (09022015). Collection method: clinical testing. Allele origin: germline.
Comment: This variant is present in population databases (no rsID available, gnomAD 0.003%). This sequence change replaces phenylalanine, which is neutral and non-polar, with leucine, which is neutral and non-polar, at codon 1464 of the SAMD9 protein (p.Phe1464Leu). This variant has not been reported in the literature in individuals affected with SAMD9-related conditions. Advanced modeling of protein sequence and biophysical properties (such as structural, functional, and spatial information, amino acid conservation, physicochemical variation, residue mobility, and thermodynamic stability) has been performed at Invitae for this missense variant, however the output from this modeling did not meet the statistical confidence thresholds required to predict the impact of this variant on SAMD9 protein function. In summary, the available evidence is currently insufficient to determine the role of this variant in disease. Therefore, it has been classified as a Variant of Uncertain Significance.